The following is an entry in ClinVar:

NM_001429.4(EP300):c.2021A>T (p.Asn674Ile)

Gene: EP300 (EP300 lysine acetyltransferase; plus strand). Cytogenetic location: 22q13.2.
Variant type: single nucleotide variant.
Coding change: c.2021A>T on transcript NM_001429.4 (MANE Select); coding-DNA position 2021, A replaced by T.
Protein change: p.Asn674Ile; replaces asparagine 674 with isoleucine.
Molecular consequence: missense variant.
Genome position (GRCh38, 1-based): chr22:41,141,190, A>T. VCF-style: chr22-41141190-A-T. GRCh37 (hg19) VCF-style: chr22-41537194-A-T.
Other names: c.2021A>T, p.Asn674Ile (NM_001362843.2); short protein forms N674I.
Identifiers: ClinVar variation 4980334 (VCV004980334.1).

ClinVar aggregate classification (germline): Uncertain significance (1 of 4 stars; one submission).

Conditions:
EP300-related disorder. Also called: EP300-related condition; EP300-related disorders.

gnomAD v4.1: 6 of 1,614,094 alleles (0.00037%); highest among the groups gnomAD compares: Non-Finnish European, 0.00042%; no homozygotes.

Submission:

PreventionGenetics, part of Exact Sciences
Classification: Uncertain significance for EP300-related condition. Last evaluated: 2026-08-18. Review status: criteria provided, single submitter. Criteria: ACMG Guidelines, 2015. Collection method: clinical testing. Allele origin: germline.
Comment: The EP300 c.2021A>T variant is predicted to result in the amino acid substitution p.Asn674Ile. To our knowledge, this variant has not been reported in the literature. This variant is reported in 0.00088% of alleles in individuals of European (Non-Finnish) descent in gnomAD. At this time, the clinical significance of this variant is uncertain due to the absence of conclusive functional and genetic evidence.